The following is an entry in ClinVar:

ClinVar aggregate classification (germline): Uncertain significance (1 of 4 stars; one submission).

Submission:

Labcorp Genetics (formerly Invitae), Labcorp
Classification: Uncertain significance. Last evaluated: 2022-07-06. Review status: criteria provided, single submitter. Criteria: Invitae Variant Classification Sherloc (09022015). Collection method: clinical testing. Allele origin: germline.
Comment: This variant is not present in population databases (gnomAD no frequency). This variant has not been reported in the literature in individuals affected with MTOR-related conditions. Advanced modeling of protein sequence and biophysical properties (such as structural, functional, and spatial information, amino acid conservation, physicochemical variation, residue mobility, and thermodynamic stability) performed at Invitae indicates that this missense variant is expected to disrupt MTOR protein function. In summary, the available evidence is currently insufficient to determine the role of this variant in disease. Therefore, it has been classified as a Variant of Uncertain Significance. This sequence change replaces isoleucine, which is neutral and non-polar, with phenylalanine, which is neutral and non-polar, at codon 459 of the MTOR protein (p.Ile459Phe).

NM_004958.4(MTOR):c.1375A>T (p.Ile459Phe)

Gene: MTOR (mechanistic target of rapamycin kinase; minus strand). Cytogenetic location: 1p36.22.
Variant type: single nucleotide variant.
Coding change: c.1375A>T on transcript NM_004958.4 (MANE Select); coding-DNA position 1375, A replaced by T.
Protein change: p.Ile459Phe; replaces isoleucine 459 with phenylalanine.
Molecular consequence: missense variant.
Genome position (GRCh38, 1-based): chr1:11,243,151, T>A on the plus strand (A>T on the coding strand, the complement: MTOR is on the minus strand). VCF-style: chr1-11243151-T-A. GRCh37 (hg19) VCF-style: chr1-11303208-T-A.
Other names: c.1375A>T, p.Ile459Phe (NM_001386500.1); c.127A>T, p.Ile43Phe (NM_001386501.1); short protein forms I43F, I459F.
Identifiers: ClinVar variation 2014468 (VCV002014468.4), dbSNP rs1648315624, ClinGen allele CA338395920.